The following is an entry in ClinVar:

NM_000273.3(GPR143):c.511G>T (p.Glu171Ter)

Gene: GPR143 (G protein-coupled receptor 143; minus strand). Cytogenetic location: Xp22.2.
Variant type: single nucleotide variant.
Coding change: c.511G>T on transcript NM_000273.3 (MANE Select); coding-DNA position 511, G replaced by T.
Protein change: p.Glu171Ter; replaces glutamic acid 171 with a stop codon.
Molecular consequence: nonsense.
Genome position (GRCh38, 1-based): chrX:9,748,611, C>A on the plus strand (G>T on the coding strand, the complement: GPR143 is on the minus strand). VCF-style: chrX-9748611-C-A. GRCh37 (hg19) VCF-style: chrX-9716651-C-A.
Other names: short protein forms E171*.
Identifiers: ClinVar variation 2113293 (VCV002113293.4), dbSNP rs2518630262, ClinGen allele CA411997684.

ClinVar aggregate classification (germline): Pathogenic (1 of 4 stars; one submission).

Submission:

Labcorp Genetics (formerly Invitae), Labcorp
Classification: Pathogenic. Last evaluated: 2022-03-17. Review status: criteria provided, single submitter. Criteria: Invitae Variant Classification Sherloc (09022015). Collection method: clinical testing. Allele origin: germline.
Comment: This sequence change creates a premature translational stop signal (p.Glu171*) in the GPR143 gene. It is expected to result in an absent or disrupted protein product. Loss-of-function variants in GPR143 are known to be pathogenic (PMID: 15965158, 18978956, 19390656, 21541274, 26160353, 28211458). This variant is not present in population databases (gnomAD no frequency). This variant has not been reported in the literature in individuals affected with GPR143-related conditions. Algorithms developed to predict the effect of sequence changes on RNA splicing suggest that this variant may disrupt the consensus splice site. For these reasons, this variant has been classified as Pathogenic.

Literature cited by the submitters: PubMed 15965158; PubMed 18978956; PubMed 19390656; PubMed 21541274; PubMed 26160353; PubMed 28211458.